The following is an entry in ClinVar:

NM_001367561.1(DOCK7):c.3471+3A>G

Gene: DOCK7 (dedicator of cytokinesis 7; minus strand). Cytogenetic location: 1p31.3.
Variant type: single nucleotide variant.
Coding change: c.3471+3A>G on transcript NM_001367561.1 (MANE Select); 3 bases into the intron after coding-DNA position 3471, A replaced by G.
Molecular consequence: intron variant.
Genome position (GRCh38, 1-based): chr1:62,537,888, T>C on the plus strand (A>G on the coding strand, the complement: DOCK7 is on the minus strand). VCF-style: chr1-62537888-T-C. GRCh37 (hg19) VCF-style: chr1-63003559-T-C.
Other names: c.3378+3A>G (NM_001272001.2, NM_001272000.2, NM_033407.4); c.3471+3A>G (NM_001271999.2, NM_001330614.2).
Identifiers: ClinVar variation 1461970 (VCV001461970.3), dbSNP rs1290869695, ClinGen allele CA523751955.

ClinVar aggregate classification (germline): Uncertain significance (1 of 4 stars; one submission).

Conditions:
Developmental and epileptic encephalopathy, 23 (DEE23). Also called: Epileptic encephalopathy, early infantile, 23. Identifiers: Orphanet 411986, MedGen C4014492, MONDO:0014371, OMIM 615859.

Allele frequency attached by ClinVar (database versions not stated): gnomAD exomes below 0.00001; TOPMed below 0.00001.
gnomAD v4.1: 4 of 1,611,512 alleles (0.00025%); highest among the groups gnomAD compares: Non-Finnish European, 0.00025%; no homozygotes.

Submission:

Labcorp Genetics (formerly Invitae), Labcorp
Classification: Uncertain significance for Developmental and epileptic encephalopathy, 23. Last evaluated: 2021-07-16. Review status: criteria provided, single submitter. Criteria: Invitae Variant Classification Sherloc (09022015). Collection method: clinical testing. Allele origin: germline.
Comment: This sequence change falls in intron 28 of the DOCK7 gene. It does not directly change the encoded amino acid sequence of the DOCK7 protein. It affects a nucleotide within the consensus splice site of the intron. This variant is not present in population databases (ExAC no frequency). This variant has not been reported in the literature in individuals affected with DOCK7-related conditions. Nucleotide substitutions within the consensus splice site are a relatively common cause of aberrant splicing (PMID: 17576681, 9536098). Algorithms developed to predict the effect of sequence changes on RNA splicing suggest that this variant may disrupt the consensus splice site. In summary, the available evidence is currently insufficient to determine the role of this variant in disease. Therefore, it has been classified as a Variant of Uncertain Significance.

Literature cited by the submitters: PubMed 17576681; PubMed 9536098.